The following is an entry in ClinVar:

ClinVar aggregate classification (germline): Uncertain significance (1 of 4 stars; one submission).

Submission:

Ambry Genetics
Classification: Uncertain significance. Last evaluated: 2024-04-28. Review status: criteria provided, single submitter. Criteria: Ambry Variant Classification Scheme 2023. Collection method: clinical testing. Allele origin: germline.
Comment: The p.L334W variant (also known as c.1001T>G), located in coding exon 8 of the RECQL gene, results from a T to G substitution at nucleotide position 1001. The leucine at codon 334 is replaced by tryptophan, an amino acid with similar properties. This amino acid position is conserved. In addition, this alteration is predicted to be deleterious by in silico analysis. Based on the available evidence, the clinical significance of this variant remains unclear.

NM_002907.4(RECQL):c.1001T>G (p.Leu334Trp)

Gene: RECQL (RecQ like helicase; minus strand). Cytogenetic location: 12p12.1.
Variant type: single nucleotide variant.
Coding change: c.1001T>G on transcript NM_002907.4 (MANE Select); coding-DNA position 1001, T replaced by G.
Protein change: p.Leu334Trp; replaces leucine 334 with tryptophan.
Molecular consequence: missense variant.
Genome position (GRCh38, 1-based): chr12:21,475,773, A>C on the plus strand (T>G on the coding strand, the complement: RECQL is on the minus strand). VCF-style: chr12-21475773-A-C. GRCh37 (hg19) VCF-style: chr12-21628707-A-C.
Other names: c.1001T>G, p.Leu334Trp (NM_032941.3); short protein forms L334W.
Identifiers: ClinVar variation 3313513 (VCV003313513.1).